The following is an entry in ClinVar:

NM_032885.6(ATG4D):c.266G>A (p.Ser89Asn)

Gene: ATG4D (autophagy related 4D cysteine peptidase; plus strand). Cytogenetic location: 19p13.2.
Variant type: single nucleotide variant.
Coding change: c.266G>A on transcript NM_032885.6 (MANE Select); coding-DNA position 266, G replaced by A.
Protein change: p.Ser89Asn; replaces serine 89 with asparagine.
Molecular consequence: missense variant. On other transcripts: non-coding transcript variant (2).
Genome position (GRCh38, 1-based): chr19:10,544,813, G>A. VCF-style: chr19-10544813-G-A. GRCh37 (hg19) VCF-style: chr19-10655489-G-A.
Other names: p.Ser26Asn; c.77G>A, p.Ser26Asn (NM_001281504.2); c.266G>A (NM_032885.4); c.77G>A (NM_001281504.1); short protein forms S26N, S89N.
Identifiers: ClinVar variation 1322010 (VCV001322010.7), dbSNP rs200278873, ClinGen allele CA9196034.

ClinVar aggregate classification (germline): Conflicting classifications of pathogenicity. Review status: criteria provided, conflicting classifications (1 of 4 stars). 4 submissions from 4 submitters: Pathogenic (1); Uncertain significance (2). 1 of the submissions does not count toward it. Last evaluated 2025-01-08.

Conditions:
ATG4D-related neurodevelopmental condition.
ASHER. Identifiers: MedGen CN300930.
Neurodevelopmental disorder. Identifiers: MedGen C1535926, MeSH D065886, MONDO:0700092.

Allele frequency attached by ClinVar (database versions not stated): 1000 Genomes Project 30x 0.00031; 1000 Genomes Project 0.00040; ExAC 0.00052; gnomAD exomes 0.00057 and 0.00103; gnomAD 0.00074 and 0.00075; TOPMed 0.00076; ESP Exome Variant Server 0.00092.
gnomAD v4.1: 1,598 of 1,614,156 alleles (0.099%); highest among the groups gnomAD compares: Non-Finnish European, 0.12%; 2 homozygotes.

Submissions (4):

Undiagnosed Diseases Network, NIH
Classification: Pathogenic for ATG4D-related neurodevelopmental condition. Last evaluated: 2025-01-08. Review status: criteria provided, single submitter. Criteria: ACMG Guidelines, 2015. Collection method: clinical testing. Allele origin: paternal. Inheritance: Autosomal recessive inheritance. Affected: yes. Observed: 1 compound heterozygote. Study: Undiagnosed Diseases Network (NIH), UDN.

Victorian Clinical Genetics Services, Murdoch Childrens Research Institute
Classification: Uncertain significance for Neurodevelopmental disorder. Last evaluated: 2024-09-21. Review status: criteria provided, single submitter. Criteria: ACMG Guidelines, 2015. Collection method: clinical testing. Allele origin: germline. Inheritance: Autosomal recessive inheritance.
Comment: Based on the classification scheme VCGS_Germline_v1.3.4, this variant is classified as VUS-3B. Following criteria are met: 0102 - Loss of function is a known mechanism of disease in this gene and is associated with neurodevelopmental disorder, MONDO:0700092, ATG4D-related. (I) 0106 - This gene is associated with autosomal recessive disease. (I) 0200 - Variant is predicted to result in a missense amino acid change from serine to asparagine. (I) 0251 - This variant is heterozygous. (I) 0304 - Variant is present in gnomAD (v2) <0.01 for a recessive condition (164 heterozygotes, 0 homozygotes). (SP) 0503 - Missense variant consistently predicted to be tolerated by multiple in silico tools or not conserved in placental mammals with a minor amino acid change. (SB) 0600 - Variant is located in the annotated cryptic mitochondrial signal peptide (PMID: 36765070). (I) 0705 - No comparable missense variants have previous evidence for pathogenicity. (I) 0803 - This variant has limited previous evidence of pathogenicity in unrelated individuals. This variant has been classified a VUS in ClinVar. This variant has also been observed in a compound heterozygous individual with a neurodevelopmental disorder characterised by speech and motor impairment (PMID: 36765070). (SP) 0905 - No published segregation evidence has been identified for this variant. (I) 1010 - Functional evidence for this variant is inconclusive. This variant had in vitro GABAR-APL1 priming activity comparable to wildtype activity in an ATG4 tetra knockout cell line (PMID: 36765070). Furthermore, partial reversion was observed in mATG8s lipidation, however this was not a significant finding (PMID: 33795848). (I) Legend: (SP) - Supporting pathogenic, (I) - Information, (SB) - Supporting benign

Ambry Genetics
Classification: Uncertain significance. Last evaluated: 2021-07-13. Review status: criteria provided, single submitter. Criteria: Ambry Variant Classification Scheme 2023. Collection method: clinical testing. Allele origin: germline.

Undiagnosed Diseases Program Translational Research Laboratory, National Institutes of Health
Classification: Likely pathogenic for ASHER. Last evaluated: 2021-10-17. Review status: no assertion criteria provided. Collection method: research. Allele origin: paternal. Affected: yes. Not counted in ClinVar's aggregate classification.
Comment: Variant likely pathogenic in combination wiith a pathogenic variant. Part of a compound heterozygous pair. ATG4D-related disorder; ASHER (ATG4D-related, Spectrum of cerebellar findings, Hypotonia and joint laxity, Early onset, Regression or delay)

Literature cited by the submitters: PubMed 33795848 (cited by Victorian Clinical Genetics Services, Murdoch Childrens Research Institute); PubMed 36765070 (cited by Victorian Clinical Genetics Services, Murdoch Childrens Research Institute).